The following is an entry in ClinVar:

NM_014851.4(KLHL21):c.363G>A (p.Val121=)

Gene: KLHL21 (kelch like family member 21; minus strand). Cytogenetic location: 1p36.31.
Variant type: single nucleotide variant.
Coding change: c.363G>A on transcript NM_014851.4 (MANE Select); coding-DNA position 363, G replaced by A.
Protein change: p.Val121=; no amino-acid change (valine 121 retained).
Molecular consequence: synonymous variant.
Genome position (GRCh38, 1-based): chr1:6,602,455, C>T on the plus strand (G>A on the coding strand, the complement: KLHL21 is on the minus strand). VCF-style: chr1-6602455-C-T. GRCh37 (hg19) VCF-style: chr1-6662515-C-T.
Other names: c.363G>A, p.Val121= (NM_001324309.2).
Identifiers: ClinVar variation 3044357 (VCV003044357.2), dbSNP rs775154413, ClinGen allele CA564500.
Genomic context (GRCh38, chr1:6,602,455, plus strand): 5'-CATGTCCAGGCAGTTGGCCAGGTCGAGCTGCTGCTGCAGGAAGGCCCCGCACGCCTCCTT[C>T]ACGGCCGGGAACTGCAGCAGGTCGGCGGCGCGCAGCAGCGGCTCAGCGTTGTCGCCGCTT-3'
Protein context (NP_055666.2, residues 111-131): RAADLLQFPA[Val121=]KEACGAFLQQ

ClinVar aggregate classification (germline): Likely benign (0 of 4 stars; one submission).

Conditions:
KLHL21-related disorder. Also called: KLHL21-related condition.

Allele frequency attached by ClinVar (database versions not stated): gnomAD exomes 0.00001; gnomAD 0.00002; TOPMed 0.00002; ExAC 0.00003.
gnomAD v4.1: 23 of 1,581,648 alleles (0.0015%); highest among the groups gnomAD compares: African/African-American, 0.0027%; no homozygotes.

Submission:

PreventionGenetics, part of Exact Sciences
Classification: Likely benign for KLHL21-related condition. Last evaluated: 2019-05-30. Review status: no assertion criteria provided. Collection method: clinical testing. Allele origin: germline.
Comment: This variant is classified as likely benign based on ACMG/AMP sequence variant interpretation guidelines (Richards et al. 2015 PMID: 25741868, with internal and published modifications).